The following is an entry in ClinVar:

ClinVar aggregate classification (germline): Uncertain significance (1 of 4 stars; one submission).

Conditions:
Hereditary spastic paraplegia 31. Also called: SPASTIC PARAPLEGIA 31, AUTOSOMAL DOMINANT. Identifiers: Orphanet 101011, MedGen C1853247, MONDO:0012453, OMIM 610250.

Submission:

Labcorp Genetics (formerly Invitae), Labcorp
Classification: Uncertain significance for Hereditary spastic paraplegia 31. Last evaluated: 2015-10-23. Review status: criteria provided, single submitter. Criteria: Invitae Variant Classification Sherloc (09022015). Collection method: clinical testing. Allele origin: germline.
Comment: This sequence change replaces glycine with arginine at codon 142 of the REEP1 protein (p.Gly142Arg). The glycine residue is highly conserved and there is a moderate physicochemical difference between glycine and arginine. This variant is not present in population databases (ExAC no frequency) and has not been reported in the literature. In summary, this is a novel missense change that is not predicted to affect protein function or cause disease. However the evidence is insufficient at this time to prove that conclusively. It has been classified as a Variant of Uncertain Significance. Algorithms developed to predict the effect of missense changes on protein structure and function (SIFT, PolyPhen-2, Align-GVGD) all suggest that this variant is likely to be tolerated, but these predictions have not been confirmed by published functional studies.

NM_001371279.1(REEP1):c.424G>C (p.Gly142Arg)

Gene: REEP1 (receptor accessory protein 1; minus strand). Cytogenetic location: 2p11.2.
Variant type: single nucleotide variant.
Coding change: c.424G>C on transcript NM_001371279.1 (MANE Select); coding-DNA position 424, G replaced by C.
Protein change: p.Gly142Arg; replaces glycine 142 with arginine.
Molecular consequence: missense variant. On other transcripts: intron variant (1).
Genome position (GRCh38, 1-based): chr2:86,232,796, C>G on the plus strand (G>C on the coding strand, the complement: REEP1 is on the minus strand). VCF-style: chr2-86232796-C-G. GRCh37 (hg19) VCF-style: chr2-86459919-C-G.
Other names: c.445G>C, p.Gly149Arg (NM_001164730.2); c.343G>C, p.Gly115Arg (NM_001164731.2); c.189G>C, p.Arg63Ser (NM_001164732.2); c.424G>C, p.Gly142Arg (NM_022912.3); c.418-15686G>C (NM_001371280.1); short protein forms G149R, G142R, G115R, R63S.
Identifiers: ClinVar variation 220728 (VCV000220728.7), dbSNP rs864622642, ClinGen allele CA348897.